The following is an entry in ClinVar:

NM_000535.7(PMS2):c.1289C>G (p.Thr430Arg)

Gene: PMS2 (PMS1 homolog 2, mismatch repair system component; minus strand). Cytogenetic location: 7p22.1.
Variant type: single nucleotide variant.
Coding change: c.1289C>G on transcript NM_000535.7 (MANE Select); coding-DNA position 1289, C replaced by G.
Protein change: p.Thr430Arg; replaces threonine 430 with arginine.
Molecular consequence: missense variant. On other transcripts: non-coding transcript variant (1).
Genome position (GRCh38, 1-based): chr7:5,987,476, G>C on the plus strand (C>G on the coding strand, the complement: PMS2 is on the minus strand). VCF-style: chr7-5987476-G-C. GRCh37 (hg19) VCF-style: chr7-6027107-G-C.
Other names: c.884C>G, p.Thr295Arg (NM_001322003.2, NM_001322004.2, NM_001322005.2 and 1 more transcripts); c.1133C>G, p.Thr378Arg (NM_001322006.2); c.971C>G, p.Thr324Arg (NM_001322007.2, NM_001322008.2); c.728C>G, p.Thr243Arg (NM_001322010.2); c.356C>G, p.Thr119Arg (NM_001322011.2, NM_001322012.2); c.716C>G, p.Thr239Arg (NM_001322013.2); c.1289C>G, p.Thr430Arg (NM_001322014.2); c.980C>G, p.Thr327Arg (NM_001322015.2); short protein forms T239R, T119R, T243R, T295R, T327R, T430R, T324R, T378R.
Identifiers: ClinVar variation 818812 (VCV000818812.12), dbSNP rs1583322001, ClinGen allele CA366742408.
Genomic context (GRCh38, chr7:5,987,476, plus strand): 5'-TTCTGTCCTAGAGGGCTCCTTCTTGGTTCTGGAGTCTTTGGGCTGTGAGGCTTGTTCTCT[G>C]TTGTGTGACGAAGAGAAAAGGCCTCTCGCAGTCTGGAAATGGACACGTCTTTTTTTTCTT-3'
Protein context (NP_000526.2, residues 420-440): LREAFSLRHT[Thr430Arg]ENKPHSPKTP

ClinVar aggregate classification (germline): Uncertain significance. Review status: criteria provided, multiple submitters, no conflicts (2 of 4 stars). 4 submissions from 4 submitters: Uncertain significance (4). Last evaluated 2024-06-18.

Conditions:
Hereditary nonpolyposis colorectal neoplasms. Identifiers: MedGen C0009405, MeSH D003123.
Hereditary cancer-predisposing syndrome. Also called: Tumor predisposition; Hereditary neoplastic syndrome; Neoplastic Syndromes, Hereditary; Hereditary Cancer Syndrome. Identifiers: Orphanet 140162, MedGen C0027672, MeSH D009386, MONDO:0015356.

Submissions (4):

GeneDx
Classification: Uncertain significance. Last evaluated: 2024-06-18. Review status: criteria provided, single submitter. Criteria: GeneDx Variant Classification Process June 2021. Collection method: clinical testing. Allele origin: germline. Affected: yes.
Comment: Not observed at significant frequency in large population cohorts (gnomAD); In silico analysis indicates that this missense variant does not alter protein structure/function; Has not been previously published as pathogenic or benign to our knowledge

Color Diagnostics, LLC DBA Color Health
Classification: Uncertain significance for Hereditary cancer-predisposing syndrome. Last evaluated: 2024-03-10. Review status: criteria provided, single submitter. Criteria: ACMG Guidelines, 2015. Collection method: clinical testing. Allele origin: germline.
Comment: This missense variant replaces threonine with arginine at codon 430 of the PMS2 protein. Computational prediction suggests that this variant may not impact protein structure and function (internally defined REVEL score threshold <= 0.5, PMID: 27666373). To our knowledge, functional studies have not been reported for this variant. This variant has not been reported in individuals affected with PMS2-related disorders in the literature. This variant has not been identified in the general population by the Genome Aggregation Database (gnomAD). The available evidence is insufficient to determine the role of this variant in disease conclusively. Therefore, this variant is classified as a Variant of Uncertain Significance.

Labcorp Genetics (formerly Invitae), Labcorp
Classification: Uncertain significance for Hereditary nonpolyposis colorectal neoplasms. Last evaluated: 2021-08-05. Review status: criteria provided, single submitter. Criteria: Invitae Variant Classification Sherloc (09022015). Collection method: clinical testing. Allele origin: germline.
Comment: This sequence change replaces threonine with arginine at codon 430 of the PMS2 protein (p.Thr430Arg). The threonine residue is weakly conserved and there is a moderate physicochemical difference between threonine and arginine. This variant is not present in population databases (ExAC no frequency). This variant has not been reported in the literature in individuals affected with PMS2-related conditions. ClinVar contains an entry for this variant (Variation ID: 818812). Advanced modeling of protein sequence and biophysical properties (such as structural, functional, and spatial information, amino acid conservation, physicochemical variation, residue mobility, and thermodynamic stability) performed at Invitae indicates that this missense variant is not expected to disrupt PMS2 protein function. Algorithms developed to predict the effect of sequence changes on RNA splicing suggest that this variant may create or strengthen a splice site. In summary, the available evidence is currently insufficient to determine the role of this variant in disease. Therefore, it has been classified as a Variant of Uncertain Significance.

Ambry Genetics
Classification: Uncertain significance for Hereditary cancer-predisposing syndrome. Last evaluated: 2019-04-27. Review status: criteria provided, single submitter. Criteria: Ambry Variant Classification Scheme 2023. Collection method: clinical testing. Allele origin: germline.
Comment: The p.T430R variant (also known as c.1289C>G), located in coding exon 11 of the PMS2 gene, results from a C to G substitution at nucleotide position 1289. The threonine at codon 430 is replaced by arginine, an amino acid with similar properties. This amino acid position is poorly conserved in available vertebrate species. In addition, this alteration is predicted to be tolerated by in silico analysis. Since supporting evidence is limited at this time, the clinical significance of this alteration remains unclear.